The following is an entry in ClinVar:

ClinVar aggregate classification (germline): Uncertain significance (1 of 4 stars; one submission).

Conditions:
Progressive myoclonic epilepsy type 9. Identifiers: Orphanet 457265, MedGen C4225289, MONDO:0014685, OMIM 616540.
Lipodystrophy, partial, acquired, susceptibility to (APLD). Also called: APLD, SUSCEPTIBILITY TO. Identifiers: MedGen C3887501, MONDO:0100476, OMIM 608709.

Allele frequency attached by ClinVar (database versions not stated): ExAC 0.00009; gnomAD 0.00001 and 0.00002; TOPMed 0.00002.
gnomAD v4.1: 37 of 1,601,688 alleles (0.0023%); highest among the groups gnomAD compares: East Asian, 0.031%; 1 homozygote.

Submission:

Labcorp Genetics (formerly Invitae), Labcorp
Classification: Uncertain significance for Progressive myoclonic epilepsy type 9; Lipodystrophy, partial, acquired, susceptibility to. Last evaluated: 2025-06-12. Review status: criteria provided, single submitter. Criteria: Invitae Variant Classification Sherloc (09022015). Collection method: clinical testing. Allele origin: germline.
Comment: This sequence change replaces glycine, which is neutral and non-polar, with serine, which is neutral and polar, at codon 423 of the LMNB2 protein (p.Gly423Ser). This variant is present in population databases (rs373722325, gnomAD 0.02%). This variant has not been reported in the literature in individuals affected with LMNB2-related conditions. ClinVar contains an entry for this variant (Variation ID: 861991). Invitae Evidence Modeling of protein sequence and biophysical properties (such as structural, functional, and spatial information, amino acid conservation, physicochemical variation, residue mobility, and thermodynamic stability) indicates that this missense variant is not expected to disrupt LMNB2 protein function with a negative predictive value of 80%. In summary, the available evidence is currently insufficient to determine the role of this variant in disease. Therefore, it has been classified as a Variant of Uncertain Significance.

NM_032737.4(LMNB2):c.1267G>A (p.Gly423Ser)

Gene: LMNB2 (lamin B2; minus strand). Cytogenetic location: 19p13.3.
Variant type: single nucleotide variant.
Coding change: c.1267G>A on transcript NM_032737.4 (MANE Select); coding-DNA position 1267, G replaced by A.
Protein change: p.Gly423Ser; replaces glycine 423 with serine.
Molecular consequence: missense variant.
Genome position (GRCh38, 1-based): chr19:2,434,041, C>T on the plus strand (G>A on the coding strand, the complement: LMNB2 is on the minus strand). VCF-style: chr19-2434041-C-T. GRCh37 (hg19) VCF-style: chr19-2434039-C-T.
Other names: short protein forms G423S.
Identifiers: ClinVar variation 861991 (VCV000861991.9), dbSNP rs373722325, ClinGen allele CA9067550.